The following is an entry in ClinVar:

ClinVar aggregate classification (germline): Uncertain significance. Review status: criteria provided, multiple submitters, no conflicts (2 of 4 stars). 2 submissions from 2 submitters: Uncertain significance (2). Last evaluated 2025-09-11.

Conditions:
Leukocyte adhesion deficiency 3. Also called: Leukocyte adhesion deficiency, type III; INTEGRIN ACTIVATION DEFICIENCY DISEASE; LEUKOCYTE ADHESION DEFICIENCY 1 VARIANT. Identifiers: Orphanet 2968, Orphanet 99844, MedGen C2748536, MONDO:0013016, OMIM 612840.
Inborn genetic diseases. Identifiers: MedGen C0950123, MeSH D030342.

Allele frequency attached by ClinVar (database versions not stated): gnomAD exomes 0.00001 and 0.00002; TOPMed 0.00002; ExAC 0.00003; gnomAD 0.00003; ESP Exome Variant Server 0.00015.
gnomAD v4.1: 11 of 1,609,488 alleles (0.00068%); highest among the groups gnomAD compares: South Asian, 0.0066%; no homozygotes.

Submissions (2):

Ambry Genetics
Classification: Uncertain significance for Inborn genetic diseases. Last evaluated: 2025-09-11. Review status: criteria provided, single submitter. Criteria: Ambry Variant Classification Scheme 2023. Collection method: clinical testing. Allele origin: germline.

Labcorp Genetics (formerly Invitae), Labcorp
Classification: Uncertain significance for Leukocyte adhesion deficiency 3. Last evaluated: 2019-06-15. Review status: criteria provided, single submitter. Criteria: Invitae Variant Classification Sherloc (09022015). Collection method: clinical testing. Allele origin: germline.
Comment: This variant has not been reported in the literature in individuals with FERMT3-related conditions. Algorithms developed to predict the effect of missense changes on protein structure and function are either unavailable or do not agree on the potential impact of this missense change (SIFT: "Deleterious"; PolyPhen-2: "Probably Damaging"; Align-GVGD: "Class C0"). In summary, the available evidence is currently insufficient to determine the role of this variant in disease. Therefore, it has been classified as a Variant of Uncertain Significance. This sequence change replaces glycine with aspartic acid at codon 454 of the FERMT3 protein (p.Gly454Asp). The glycine residue is highly conserved and there is a moderate physicochemical difference between glycine and aspartic acid. This variant is present in population databases (rs371103107, ExAC 0.03%).

NM_031471.6(FERMT3):c.1361G>A (p.Gly454Asp)

Gene: FERMT3 (FERM domain containing kindlin 3; plus strand). Cytogenetic location: 11q13.1.
Variant type: single nucleotide variant.
Coding change: c.1361G>A on transcript NM_031471.6 (MANE Select); coding-DNA position 1361, G replaced by A.
Protein change: p.Gly454Asp; replaces glycine 454 with aspartic acid.
Molecular consequence: missense variant.
Genome position (GRCh38, 1-based): chr11:64,220,485, G>A. VCF-style: chr11-64220485-G-A. GRCh37 (hg19) VCF-style: chr11-63987957-G-A.
Other names: c.1361G>A, p.Gly454Asp (NM_001382361.1, NM_001382448.1); c.1373G>A, p.Gly458Asp (NM_001382362.1, NM_178443.3); c.821G>A, p.Gly274Asp (NM_001382363.1); c.833G>A, p.Gly278Asp (NM_001382364.1); short protein forms G278D, G274D, G454D, G458D.
Identifiers: ClinVar variation 935325 (VCV000935325.10), dbSNP rs371103107, ClinGen allele CA6069141.
Genomic context (GRCh38, chr11:64,220,485, plus strand): 5'-CTCTCGCCCAGGAGCAGCAGTATGCCCGCTGGATGGCTGGCTGCCGCCTGGCCTCCAAAG[G>A]CCGCACCATGGCCGACAGCAGCTACACCAGCGAGGTGCAGGCCATCCTGGCCTTCCTCAG-3'
Protein context (NP_113659.3, residues 444-464): WMAGCRLASK[Gly454Asp]RTMADSSYTS